The following is an entry in ClinVar:

ClinVar aggregate classification (germline): Likely pathogenic (1 of 4 stars; one submission).

Conditions:
SLCO1B3-related disorder. Also called: SLCO1B3-related condition.

Submission:

PreventionGenetics, part of Exact Sciences
Classification: Likely pathogenic for SLCO1B3-related condition. Last evaluated: 2026-02-10. Review status: criteria provided, single submitter. Criteria: ACMG Guidelines, 2015. Collection method: clinical testing. Allele origin: germline.
Comment: The SLCO1B3 c.35_36delAG variant is predicted to result in a frameshift and premature protein termination (p.Glu12Valfs*29). To our knowledge, this variant has not been reported in the literature or in a large population database (gnomAD), indicating this variant is rare. Frameshift variants in SLCO1B3 are expected to be pathogenic. This variant is interpreted as likely pathogenic.

NM_019844.4(SLCO1B3):c.35_36del (p.Glu12fs)

Genes: SLCO1B3 (solute carrier organic anion transporter family member 1B3; plus strand), SLCO1B3-SLCO1B7 (SLCO1B3-SLCO1B7 readthrough; plus strand). Cytogenetic location: 12p12.2.
Variant type: Microsatellite.
Coding change: c.35_36del on transcript NM_019844.4 (MANE Select); coding-DNA positions 35 to 36, 2 bases deleted (AG; older notation c.35_36delAG).
Protein change: p.Glu12fs; shifts the reading frame from glutamic acid 12.
Molecular consequence: frameshift variant.
Genome position (GRCh38, 1-based): chr12:20,815,773-20,815,774, AG deleted; deleting any 2 consecutive bases within chr12:20,815,771-20,815,774 gives the same sequence; the c. name uses the placement nearest the transcript's 3' end. VCF-style (leftmost placement, unchanged base first): chr12-20815770-CAG-C. GRCh37 (hg19) VCF-style: chr12-20968704-CAG-C.
Other names: c.35_36del, p.Glu12fs (NM_001371097.1); short protein forms E12fs.
Identifiers: ClinVar variation 4984237 (VCV004984237.1).